The following is an entry in ClinVar:

NM_012108.4(STAP1):c.533G>A (p.Cys178Tyr)

Gene: STAP1 (signal transducing adaptor family member 1; plus strand). Cytogenetic location: 4q13.2.
Variant type: single nucleotide variant.
Coding change: c.533G>A on transcript NM_012108.4 (MANE Select); coding-DNA position 533, G replaced by A.
Protein change: p.Cys178Tyr; replaces cysteine 178 with tyrosine.
Molecular consequence: missense variant.
Genome position (GRCh38, 1-based): chr4:67,583,576, G>A. VCF-style: chr4-67583576-G-A. GRCh37 (hg19) VCF-style: chr4-68449294-G-A.
Other names: c.533G>A, p.Cys178Tyr (NM_001317769.2); short protein forms C178Y.
Identifiers: ClinVar variation 3962931 (VCV003962931.1).
Genomic context (GRCh38, chr4:67,583,576, plus strand): 5'-AAGTAATGATCTTCATCAGTTAAAAAAACAATTCTGTTTTTTTATCTCACCTCTGTAGAT[G>A]TTTTTATACAGTGTCCCGGAAAGAGGCAACTGAGATGCTCCAGAAGAACCCTTCTTTGGG-3'
Protein context (NP_036240.1, residues 168-188): YVDVLNPMPA[Cys178Tyr]FYTVSRKEAT

ClinVar aggregate classification (germline): Uncertain significance (1 of 4 stars; one submission).

gnomAD v4.1: 2 of 1,606,664 alleles (0.00012%); highest among the groups gnomAD compares: Non-Finnish European, 0.00017%; no homozygotes.

Submission:

Ambry Genetics
Classification: Uncertain significance. Last evaluated: 2025-03-23. Review status: criteria provided, single submitter. Criteria: Ambry Variant Classification Scheme 2023. Collection method: clinical testing. Allele origin: germline.
Comment: The p.C178Y variant (also known as c.533G>A), located in coding exon 6 of the STAP1 gene, results from a G to A substitution at nucleotide position 533. The cysteine at codon 178 is replaced by tyrosine, an amino acid with highly dissimilar properties. This amino acid position is conserved. In addition, this alteration is predicted to be deleterious by in silico analysis. Based on the available evidence, the clinical significance of this variant remains unclear.